The following is an entry in ClinVar:

ClinVar aggregate classification (germline): Likely benign. Review status: criteria provided, multiple submitters, no conflicts (2 of 4 stars). 4 submissions from 4 submitters: Likely benign (3). 1 of the submissions does not count toward it. Last evaluated 2025-06-26.

Conditions:
SLC39A13-related disorder. Also called: SLC39A13-related condition.
Ehlers-Danlos syndrome, spondylodysplastic type, 3. Also called: Ehlers-Danlos syndrome, spondylocheirodysplastic type. Identifiers: Orphanet 157965, MedGen C2676510, MONDO:0012873, OMIM 612350.

Allele frequency attached by ClinVar (database versions not stated): ExAC 0.00003; ESP Exome Variant Server 0.00008.
gnomAD v4.1: 141 of 1,611,670 alleles (0.0087%); highest among the groups gnomAD compares: Non-Finnish European, 0.011%; no homozygotes.

Submissions (4):

Women's Health and Genetics/Laboratory Corporation of America, LabCorp
Classification: Likely benign. Last evaluated: 2025-06-26. Review status: criteria provided, single submitter. Criteria: LabCorp Variant Classification Summary - May 2015. Collection method: clinical testing. Allele origin: germline.

Labcorp Genetics (formerly Invitae), Labcorp
Classification: Likely benign for Ehlers-Danlos syndrome, spondylodysplastic type, 3. Last evaluated: 2025-06-03. Review status: criteria provided, single submitter. Criteria: Invitae Variant Classification Sherloc (09022015). Collection method: clinical testing. Allele origin: germline.

Blueprint Genetics
Classification: Likely benign. Last evaluated: 2020-08-26. Review status: criteria provided, single submitter. Criteria: ACMG Guidelines, 2015. Collection method: clinical testing. Allele origin: germline.

PreventionGenetics, part of Exact Sciences
Classification: Likely benign for SLC39A13-related condition. Last evaluated: 2024-02-12. Review status: no assertion criteria provided. Collection method: clinical testing. Allele origin: germline. Not counted in ClinVar's aggregate classification.
Comment: This variant is classified as likely benign based on ACMG/AMP sequence variant interpretation guidelines (Richards et al. 2015 PMID: 25741868, with internal and published modifications).

NM_001128225.3(SLC39A13):c.786+7G>A

Gene: SLC39A13 (solute carrier family 39 member 13; plus strand). Cytogenetic location: 11p11.2.
Variant type: single nucleotide variant.
Coding change: c.786+7G>A on transcript NM_001128225.3 (MANE Select); 7 bases into the intron after coding-DNA position 786, G replaced by A.
Molecular consequence: intron variant.
Genome position (GRCh38, 1-based): chr11:47,414,482, G>A. VCF-style: chr11-47414482-G-A. GRCh37 (hg19) VCF-style: chr11-47436033-G-A.
Other names: c.786+7G>A (NM_152264.5, NM_001330245.2, NM_152264.4).
Identifiers: ClinVar variation 2081789 (VCV002081789.8), dbSNP rs375548129, ClinGen allele CA5975928.